The following is an entry in ClinVar:

ClinVar aggregate classification (germline): Uncertain significance (1 of 4 stars; one submission).

Allele frequency attached by ClinVar (database versions not stated): gnomAD exomes below 0.00001; ExAC 0.00001.
gnomAD v4.1: 3 of 1,614,132 alleles (0.00019%); highest among the groups gnomAD compares: East Asian, 0.0022%; no homozygotes.

Submission:

Labcorp Genetics (formerly Invitae), Labcorp
Classification: Uncertain significance. Last evaluated: 2022-03-14. Review status: criteria provided, single submitter. Criteria: Invitae Variant Classification Sherloc (09022015). Collection method: clinical testing. Allele origin: germline.
Comment: In summary, the available evidence is currently insufficient to determine the role of this variant in disease. Therefore, it has been classified as a Variant of Uncertain Significance. Algorithms developed to predict the effect of sequence changes on RNA splicing suggest that this variant may create or strengthen a splice site. Algorithms developed to predict the effect of missense changes on protein structure and function are either unavailable or do not agree on the potential impact of this missense change (SIFT: "Tolerated"; PolyPhen-2: "Possibly Damaging"; Align-GVGD: "Class C0"). This variant has not been reported in the literature in individuals affected with MME-related conditions. This variant is present in population databases (rs762748390, gnomAD 0.006%). This sequence change replaces aspartic acid, which is acidic and polar, with glycine, which is neutral and non-polar, at codon 9 of the MME protein (p.Asp9Gly).

NM_007289.4(MME):c.26A>G (p.Asp9Gly)

Gene: MME (membrane metalloendopeptidase; plus strand). Cytogenetic location: 3q25.2.
Variant type: single nucleotide variant.
Coding change: c.26A>G on transcript NM_007289.4 (MANE Select); coding-DNA position 26, A replaced by G.
Protein change: p.Asp9Gly; replaces aspartic acid 9 with glycine.
Molecular consequence: missense variant.
Genome position (GRCh38, 1-based): chr3:155,084,193, A>G. VCF-style: chr3-155084193-A-G. GRCh37 (hg19) VCF-style: chr3-154801982-A-G.
Other names: c.26A>G, p.Asp9Gly (NM_000902.5, NM_001354642.2, NM_001354643.1 and 3 more transcripts); short protein forms D9G.
Identifiers: ClinVar variation 1944274 (VCV001944274.5), dbSNP rs762748390, ClinGen allele CA2674990.